The following is an entry in ClinVar:

ClinVar aggregate classification (germline): Uncertain significance. Review status: criteria provided, multiple submitters, no conflicts (2 of 4 stars). 2 submissions from 2 submitters: Uncertain significance (2). Last evaluated 2025-07-11.

Conditions:
TRIM32-related disorder. Also called: TRIM32-related condition.
Bardet-Biedl syndrome (BBS). Identifiers: Orphanet 110, MedGen C0752166, MONDO:0015229.

Allele frequency attached by ClinVar (database versions not stated): gnomAD 0.00001; gnomAD exomes 0.00001 and 0.00002; ExAC 0.00002; TOPMed 0.00002.
gnomAD v4.1: 27 of 1,614,022 alleles (0.0017%); highest among the groups gnomAD compares: Middle Eastern, 0.016%; no homozygotes.

Submissions (2):

PreventionGenetics, part of Exact Sciences
Classification: Uncertain significance for TRIM32-related condition. Last evaluated: 2025-07-11. Review status: criteria provided, single submitter. Criteria: ACMG Guidelines, 2015. Collection method: clinical testing. Allele origin: germline.
Comment: The TRIM32 c.1876C>T variant is predicted to result in the amino acid substitution p.Pro626Ser. To our knowledge, this variant has not been reported in the literature. This variant is reported in 0.0033% of alleles in individuals of South Asian descent in gnomAD. At this time, the clinical significance of this variant is uncertain due to the absence of conclusive functional and genetic evidence.

Labcorp Genetics (formerly Invitae), Labcorp
Classification: Uncertain significance for Bardet-Biedl syndrome. Last evaluated: 2022-03-11. Review status: criteria provided, single submitter. Criteria: Invitae Variant Classification Sherloc (09022015). Collection method: clinical testing. Allele origin: germline.
Comment: This sequence change replaces proline, which is neutral and non-polar, with serine, which is neutral and polar, at codon 626 of the TRIM32 protein (p.Pro626Ser). This variant is present in population databases (rs769128859, gnomAD 0.003%). This variant has not been reported in the literature in individuals affected with TRIM32-related conditions. Algorithms developed to predict the effect of missense changes on protein structure and function are either unavailable or do not agree on the potential impact of this missense change (SIFT: "Tolerated"; PolyPhen-2: "Possibly Damaging"; Align-GVGD: "Class C0"). In summary, the available evidence is currently insufficient to determine the role of this variant in disease. Therefore, it has been classified as a Variant of Uncertain Significance.

NM_012210.4(TRIM32):c.1876C>T (p.Pro626Ser)

Genes: ASTN2 (astrotactin 2; minus strand), TRIM32 (tripartite motif containing 32; plus strand). Cytogenetic location: 9q33.1.
Variant type: single nucleotide variant.
Coding change: c.1876C>T on transcript NM_012210.4 (MANE Select); coding-DNA position 1876, C replaced by T.
Protein change: p.Pro626Ser; replaces proline 626 with serine.
Molecular consequence: missense variant. On other transcripts: intron variant (3).
Genome position (GRCh38, 1-based): chr9:116,699,618, C>T. VCF-style: chr9-116699618-C-T. GRCh37 (hg19) VCF-style: chr9-119461897-C-T.
Other names: c.1876C>T, p.Pro626Ser (NM_001099679.2, NM_001379048.1, NM_001379049.1 and 1 more transcripts); c.2653+26153G>A (NM_014010.5); c.2794+26153G>A (NM_001365069.1); c.2806+26153G>A (NM_001365068.1); short protein forms P626S.
Identifiers: ClinVar variation 1443555 (VCV001443555.6), dbSNP rs769128859, ClinGen allele CA5211224.